The following is an entry in ClinVar:

ClinVar aggregate classification (germline): Uncertain significance (1 of 4 stars; one submission).

Conditions:
Microcephaly with or without chorioretinopathy, lymphedema, or impaired intellectual development. Also called: MICROCEPHALY, LYMPHEDEMA, CHORIORETINAL DYSPLASIA SYNDROME; Microcephaly lymphedema chorioretinal dysplasia; MICROCEPHALY AND CHORIORETINOPATHY WITH OR WITHOUT MENTAL RETARDATION, AUTOSOMAL DOMINANT; Microcephaly with or without chorioretinopathy, lymphedema, or mental retardation; Microcephaly with or without chorioretinopathy, lymphedema, or intellectual disability. Identifiers: Orphanet 2526, MedGen C1835265, MONDO:0007918, OMIM 152950.

Submission:

Laboratorio de Genetica e Diagnostico Molecular, Hospital Israelita Albert Einstein
Classification: Uncertain significance for Microcephaly with or without chorioretinopathy, lymphedema, or impaired intellectual development. Last evaluated: 2023-07-12. Review status: criteria provided, single submitter. Criteria: ACMG Guidelines, 2015. Collection method: clinical testing. Allele origin: germline. Affected: yes.
Comment: ACMG classification criteria: PM2 moderate, PP2 supporting

NM_004523.4(KIF11):c.1487C>T (p.Ala496Val)

Gene: KIF11 (kinesin family member 11; plus strand). Cytogenetic location: 10q23.33.
Variant type: single nucleotide variant.
Coding change: c.1487C>T on transcript NM_004523.4 (MANE Select); coding-DNA position 1487, C replaced by T.
Protein change: p.Ala496Val; replaces alanine 496 with valine.
Molecular consequence: missense variant.
Genome position (GRCh38, 1-based): chr10:92,630,357, C>T. VCF-style: chr10-92630357-C-T. GRCh37 (hg19) VCF-style: chr10-94390114-C-T.
Other names: short protein forms A496V.
Identifiers: ClinVar variation 4056545 (VCV004056545.1).
Genomic context (GRCh38, chr10:92,630,357, plus strand): 5'-TTAAAGAAGAATATATCACATCAGCTTTGGAAAGTACTGAGGAGAAACTTCATGATGCTG[C>T]CAGCAAGGTTTGTCCCTTGTGTTGATTTGTACTCATATTAAGTAGAGAATGGGTAGAAAA-3'
Protein context (NP_004514.2, residues 486-506): ESTEEKLHDA[Ala496Val]SKLLNTVEET